The following is an entry in ClinVar:

ClinVar aggregate classification (germline): Uncertain significance (1 of 4 stars; one submission).

Submission:

GeneDx
Classification: Uncertain significance. Last evaluated: 2023-02-07. Review status: criteria provided, single submitter. Criteria: GeneDx Variant Classification Process June 2021. Collection method: clinical testing. Allele origin: germline. Affected: yes.
Comment: Not observed at significant frequency in large population cohorts (gnomAD); In silico analysis supports that this missense variant does not alter protein structure/function; Has not been previously published as pathogenic or benign to our knowledge

NM_014915.3(ANKRD26):c.644A>G (p.His215Arg)

Gene: ANKRD26 (ankyrin repeat domain containing 26; minus strand). Cytogenetic location: 10p12.1.
Variant type: single nucleotide variant.
Coding change: c.644A>G on transcript NM_014915.3 (MANE Select); coding-DNA position 644, A replaced by G.
Protein change: p.His215Arg; replaces histidine 215 with arginine.
Molecular consequence: missense variant.
Genome position (GRCh38, 1-based): chr10:27,086,604, T>C on the plus strand (A>G on the coding strand, the complement: ANKRD26 is on the minus strand). VCF-style: chr10-27086604-T-C. GRCh37 (hg19) VCF-style: chr10-27375533-T-C.
Other names: c.644A>G, p.His215Arg (NM_001256053.2); short protein forms H215R.
Identifiers: ClinVar variation 2574762 (VCV002574762.1), dbSNP rs2539216949, ClinGen allele CA376366139.